The following is an entry in ClinVar:

NC_000011.10:g.(?_64758226)_(64758724_?)del

Gene: PYGM (glycogen phosphorylase, muscle associated; minus strand). Cytogenetic location: 11q13.1.
Variant type: Deletion.
Identifiers: ClinVar variation 833280 (VCV000833280.7).

ClinVar aggregate classification (germline): Pathogenic (1 of 4 stars; one submission).

Conditions:
Glycogen storage disease, type V (GSD5). Also called: MCARDLE DISEASE; MUSCLE GLYCOGEN PHOSPHORYLASE DEFICIENCY; MYOPHOSPHORYLASE DEFICIENCY; PYGM DEFICIENCY; McArdle type glycogen storage disease. Identifiers: Orphanet 368, MedGen C0017924, MONDO:0009293, OMIM 232600.

Submission:

Labcorp Genetics (formerly Invitae), Labcorp
Classification: Pathogenic for Glycogen storage disease, type V. Last evaluated: 2019-11-12. Review status: criteria provided, single submitter. Criteria: Invitae Variant Classification Sherloc (09022015). Collection method: clinical testing. Allele origin: germline.
Comment: For these reasons, this variant has been classified as Pathogenic. This variant disrupts the p.Arg94 amino acid residue in PYGM. Other variant(s) that disrupt this residue have been determined to be pathogenic (PMID: 12508303, 22250184, 17404776, 19472443, 17324573, 17994553). This suggests that this residue is clinically significant, and that variants that disrupt this residue are likely to be disease-causing. This variant has been observed in individual(s) with McArdle disease (PMID: Invitae). In at least one individual the data is consistent with the variant being in trans (on the opposite chromosome) from a pathogenic variant. This variant is an in-frame deletion of the genomic region encompassing exons 2-4 of the PYGM gene. It preserves the integrity of the reading frame.

Literature cited by the submitters: PubMed 12508303; PubMed 22250184; PubMed 17404776; PubMed 19472443; PubMed 17324573; PubMed 17994553.